The following is an entry in ClinVar:

NM_145239.3(PRRT2):c.184G>A (p.Gly62Arg)

Genes: MVP-DT (MVP divergent transcript; minus strand), PRRT2 (proline rich transmembrane protein 2; plus strand). Cytogenetic location: 16p11.2.
Variant type: single nucleotide variant.
Coding change: c.184G>A on transcript NM_145239.3 (MANE Select); coding-DNA position 184, G replaced by A.
Protein change: p.Gly62Arg; replaces glycine 62 with arginine.
Molecular consequence: missense variant.
Genome position (GRCh38, 1-based): chr16:29,813,238, G>A. VCF-style: chr16-29813238-G-A. GRCh37 (hg19) VCF-style: chr16-29824559-G-A.
Other names: c.184G>A, p.Gly62Arg (NM_001256442.2, NM_001256443.2, NM_001438120.1 and 2 more transcripts); short protein forms G62R.
Identifiers: ClinVar variation 4752670 (VCV004752670.2).
Genomic context (GRCh38, chr16:29,813,238, plus strand): 5'-CCAGACCAGCCAGAGGCCCCGCAGCCAGGTCCAAACACCACTGCGGCCCCTGTGGACTCA[G>A]GGCCCAAGGCTGGGCTGGCTCCAGAAACCACAGAGACCCCGGCTGGGGCCTCAGAAACAG-3'
Protein context (NP_660282.2, residues 52-72): PNTTAAPVDS[Gly62Arg]PKAGLAPETT

ClinVar aggregate classification (germline): Uncertain significance. Review status: criteria provided, multiple submitters, no conflicts (2 of 4 stars). 2 submissions from 2 submitters: Uncertain significance (2). Last evaluated 2026-02-25.

Conditions:
Episodic kinesigenic dyskinesia (EKD). Also called: Paroxysmal kinesigenic dyskinesia. Identifiers: Orphanet 98809, MedGen C1868682, MONDO:0044202.

gnomAD v4.1: 4 of 1,613,936 alleles (0.00025%); highest among the groups gnomAD compares: Non-Finnish European, 0.00025%; no homozygotes.

Submissions (2):

GeneDx
Classification: Uncertain significance. Last evaluated: 2026-02-25. Review status: criteria provided, single submitter. Criteria: GeneDx Variant Classification Process June 2021. Collection method: clinical testing. Allele origin: germline.
Comment: Not observed at significant frequency in large population cohorts (gnomAD); In silico analysis supports that this missense variant has a deleterious effect on protein structure/function; Has not been previously published as pathogenic or benign to our knowledge

Labcorp Genetics (formerly Invitae), Labcorp
Classification: Uncertain significance for Episodic kinesigenic dyskinesia. Last evaluated: 2025-04-01. Review status: criteria provided, single submitter. Criteria: Invitae Variant Classification Sherloc (09022015). Collection method: clinical testing. Allele origin: germline.
Comment: This sequence change replaces glycine, which is neutral and non-polar, with arginine, which is basic and polar, at codon 62 of the PRRT2 protein (p.Gly62Arg). This variant is not present in population databases (gnomAD no frequency). This variant has not been reported in the literature in individuals affected with PRRT2-related conditions. Invitae Evidence Modeling of protein sequence and biophysical properties (such as structural, functional, and spatial information, amino acid conservation, physicochemical variation, residue mobility, and thermodynamic stability) indicates that this missense variant is not expected to disrupt PRRT2 protein function with a negative predictive value of 95%. In summary, the available evidence is currently insufficient to determine the role of this variant in disease. Therefore, it has been classified as a Variant of Uncertain Significance.